The following is an entry in ClinVar:

NM_018127.7(ELAC2):c.432+1del

Gene: ELAC2 (elaC ribonuclease Z 2; minus strand). Cytogenetic location: 17p12.
Variant type: Deletion.
Coding change: c.432+1del on transcript NM_018127.7 (MANE Select); the canonical splice donor site of the intron after coding-DNA position 432, one base deleted (G; older notation c.432+1delG).
Molecular consequence: splice donor variant.
Genome position (GRCh38, 1-based): chr17:13,015,767, C deleted on the plus strand (G on the coding strand, the reverse complement: ELAC2 is on the minus strand); the first of 2 consecutive C bases (chr17:13,015,767-13,015,768); deleting either gives the same sequence. VCF-style (leftmost placement, unchanged base first): chr17-13015766-AC-A. GRCh37 (hg19) VCF-style: chr17-12919083-AC-A.
Other names: c.432+1del (NM_001165962.2, NM_173717.2).
Identifiers: ClinVar variation 863619 (VCV000863619.8), dbSNP rs766739618, ClinGen allele CA8401676.

ClinVar aggregate classification (germline): Uncertain significance. Review status: criteria provided, multiple submitters, no conflicts (2 of 4 stars). 2 submissions from 2 submitters: Uncertain significance (2). Last evaluated 2023-10-10.

Conditions:
Combined oxidative phosphorylation defect type 17. Also called: Combined oxidative phosphorylation deficiency 17. Identifiers: Orphanet 369913, MedGen C3809526, MONDO:0014190, OMIM 615440.

Submissions (2):

Blueprint Genetics
Classification: Uncertain significance. Last evaluated: 2023-10-10. Review status: criteria provided, single submitter. Criteria: ACMG Guidelines, 2015. Collection method: clinical testing. Allele origin: germline.

Labcorp Genetics (formerly Invitae), Labcorp
Classification: Uncertain significance for Combined oxidative phosphorylation defect type 17. Last evaluated: 2022-05-01. Review status: criteria provided, single submitter. Criteria: Invitae Variant Classification Sherloc (09022015). Collection method: clinical testing. Allele origin: germline.
Comment: In summary, the available evidence is currently insufficient to determine the role of this variant in disease. Therefore, it has been classified as a Variant of Uncertain Significance. Algorithms developed to predict the effect of sequence changes on RNA splicing suggest that this variant may disrupt the consensus splice site. ClinVar contains an entry for this variant (Variation ID: 863619). This variant has not been reported in the literature in individuals affected with ELAC2-related conditions. This variant is present in population databases (rs766739618, gnomAD 0.07%). This sequence change affects a splice site in intron 4 of the ELAC2 gene. It is expected to disrupt RNA splicing. Variants that disrupt the donor or acceptor splice site typically lead to a loss of protein function (PMID: 16199547), however the current clinical and genetic evidence is not sufficient to establish whether loss-of-function variants in ELAC2 cause disease.

Literature cited by the submitters: PubMed 16199547 (cited by Labcorp Genetics (formerly Invitae), Labcorp).